The following is an entry in ClinVar:

ClinVar aggregate classification (germline): Uncertain significance. Review status: criteria provided, multiple submitters, no conflicts (2 of 4 stars). 2 submissions from 2 submitters: Uncertain significance (2). Last evaluated 2025-08-25.

Conditions:
Developmental and epileptic encephalopathy, 53. Also called: Epileptic encephalopathy, early infantile, 53. Identifiers: MedGen C4479313, MONDO:0033362, OMIM 617389.
Early-onset Parkinson disease 20. Also called: PARKINSON DISEASE 20, AUTOSOMAL RECESSIVE EARLY-ONSET. Identifiers: Orphanet 391411, MedGen C3809824, MONDO:0014233, OMIM 615530.
Inborn genetic diseases. Identifiers: MedGen C0950123, MeSH D030342.

Allele frequency attached by ClinVar (database versions not stated): gnomAD exomes 0.00001 and 0.00002; TOPMed 0.00001; ExAC 0.00002.
gnomAD v4.1: 12 of 1,614,096 alleles (0.00074%); highest among the groups gnomAD compares: Admixed American, 0.005%; no homozygotes.

Submissions (2):

Ambry Genetics
Classification: Uncertain significance for Inborn genetic diseases. Last evaluated: 2025-08-25. Review status: criteria provided, single submitter. Criteria: Ambry Variant Classification Scheme 2023. Collection method: clinical testing. Allele origin: germline.

Labcorp Genetics (formerly Invitae), Labcorp
Classification: Uncertain significance for Developmental and epileptic encephalopathy, 53; Early-onset Parkinson disease 20. Last evaluated: 2022-05-25. Review status: criteria provided, single submitter. Criteria: Invitae Variant Classification Sherloc (09022015). Collection method: clinical testing. Allele origin: germline.
Comment: In summary, the available evidence is currently insufficient to determine the role of this variant in disease. Therefore, it has been classified as a Variant of Uncertain Significance. Algorithms developed to predict the effect of missense changes on protein structure and function (SIFT, PolyPhen-2, Align-GVGD) all suggest that this variant is likely to be disruptive. This variant has not been reported in the literature in individuals affected with SYNJ1-related conditions. This variant is present in population databases (rs748767686, gnomAD 0.009%). This sequence change replaces arginine, which is basic and polar, with histidine, which is basic and polar, at codon 839 of the SYNJ1 protein (p.Arg839His).

NM_203446.3(SYNJ1):c.2399G>A (p.Arg800His)

Gene: SYNJ1 (synaptojanin 1; minus strand). Cytogenetic location: 21q22.11.
Variant type: single nucleotide variant.
Coding change: c.2399G>A on transcript NM_203446.3 (MANE Select); coding-DNA position 2399, G replaced by A.
Protein change: p.Arg800His; replaces arginine 800 with histidine.
Molecular consequence: missense variant.
Genome position (GRCh38, 1-based): chr21:32,657,778, C>T on the plus strand (G>A on the coding strand, the complement: SYNJ1 is on the minus strand). VCF-style: chr21-32657778-C-T. GRCh37 (hg19) VCF-style: chr21-34030088-C-T.
Other names: c.2399G>A, p.Arg800His (NM_001160302.2); c.2384G>A, p.Arg795His (NM_001160306.2); c.2516G>A, p.Arg839His (NM_003895.4); short protein forms R839H, R795H, R800H.
Identifiers: ClinVar variation 1407053 (VCV001407053.9), dbSNP rs748767686, ClinGen allele CA10003670.
Genomic context (GRCh38, chr21:32,657,778, plus strand): 5'-GATCTATCAAAAGGCCATTTCCTCCTTCTCCAAAGGACACGGTCTGTCCAGGCAGGGGTG[C>T]GGCACTTTTCACTGGTGTCATAGTCGTCAGAAAACAAGTCATACTTATATGTCGGAGCAA-3'
Protein context (NP_982271.3, residues 790-810): SDDYDTSEKC[Arg800His]TPAWTDRVLW